The following is an entry in ClinVar:

NM_021999.5(ITM2B):c.311C>T (p.Ser104Phe)

Gene: ITM2B (integral membrane protein 2B; plus strand). Cytogenetic location: 13q14.2.
Variant type: single nucleotide variant.
Coding change: c.311C>T on transcript NM_021999.5 (MANE Select); coding-DNA position 311, C replaced by T.
Protein change: p.Ser104Phe; replaces serine 104 with phenylalanine.
Molecular consequence: missense variant.
Genome position (GRCh38, 1-based): chr13:48,256,241, C>T. VCF-style: chr13-48256241-C-T. GRCh37 (hg19) VCF-style: chr13-48830377-C-T.
Other names: short protein forms S104F.
Identifiers: ClinVar variation 2971080 (VCV002971080.3), dbSNP rs1207355071, ClinGen allele CA388251165.

ClinVar aggregate classification (germline): Uncertain significance (1 of 4 stars; one submission).

Allele frequency attached by ClinVar (database versions not stated): TOPMed below 0.00001; gnomAD 0.00001; gnomAD exomes 0.00001.
gnomAD v4.1: 21 of 1,613,312 alleles (0.0013%); highest among the groups gnomAD compares: Non-Finnish European, 0.0018%; no homozygotes.

Submission:

Labcorp Genetics (formerly Invitae), Labcorp
Classification: Uncertain significance. Last evaluated: 2023-11-16. Review status: criteria provided, single submitter. Criteria: Invitae Variant Classification Sherloc (09022015). Collection method: clinical testing. Allele origin: germline.
Comment: This sequence change replaces serine, which is neutral and polar, with phenylalanine, which is neutral and non-polar, at codon 104 of the ITM2B protein (p.Ser104Phe). This variant is not present in population databases (gnomAD no frequency). This variant has not been reported in the literature in individuals affected with ITM2B-related conditions. Advanced modeling of protein sequence and biophysical properties (such as structural, functional, and spatial information, amino acid conservation, physicochemical variation, residue mobility, and thermodynamic stability) performed at Invitae indicates that this missense variant is not expected to disrupt ITM2B protein function with a negative predictive value of 80%. In summary, the available evidence is currently insufficient to determine the role of this variant in disease. Therefore, it has been classified as a Variant of Uncertain Significance.